The following is an entry in ClinVar:

NM_001261826.3(AP3D1):c.3265-62A>G

Gene: AP3D1 (adaptor related protein complex 3 subunit delta 1; minus strand). Cytogenetic location: 19p13.3.
Variant type: single nucleotide variant.
Coding change: c.3265-62A>G on transcript NM_001261826.3 (MANE Select); 62 bases into the intron before coding-DNA position 3265, A replaced by G.
Molecular consequence: intron variant.
Genome position (GRCh38, 1-based): chr19:2,110,020, T>C on the plus strand (A>G on the coding strand, the complement: AP3D1 is on the minus strand). VCF-style: chr19-2110020-T-C. GRCh37 (hg19) VCF-style: chr19-2110019-T-C.
Other names: c.3079-62A>G (NM_003938.8); c.3229-62A>G (NM_001374799.1).
Identifiers: ClinVar variation 1280940 (VCV001280940.4), dbSNP rs2074958, ClinGen allele CA14651170.

ClinVar aggregate classification (germline): Benign. Review status: criteria provided, multiple submitters, no conflicts (2 of 4 stars). 3 submissions from 3 submitters: Benign (3). Last evaluated 2023-11-12.

Allele frequency attached by ClinVar (database versions not stated): gnomAD exomes 0.23780; TOPMed 0.25008; gnomAD 0.25294 and 0.25441; 1000 Genomes Project 30x 0.26843; 1000 Genomes Project 0.27496.
gnomAD v4.1: 381,947 of 1,594,100 alleles (24%); highest among the groups gnomAD compares: East Asian, 40%; 47,647 homozygotes.

Submissions (3):

Unidad de Genómica Garrahan, Hospital de Pediatría Garrahan
Classification: Benign. Last evaluated: 2023-11-12. Review status: criteria provided, single submitter. Criteria: ACMG Guidelines, 2015. Collection method: clinical testing. Allele origin: germline. Affected: no. Observed: 32 variant alleles.
Comment: This variant is classified as Benign based on local population frequency. This variant was detected in 33% of patients studied by a panel of primary immunodeficiencies. Number of patients: 32. Only high quality variants are reported.

GeneDx
Classification: Benign. Last evaluated: 2018-11-27. Review status: criteria provided, single submitter. Criteria: GeneDx Variant Classification Process June 2021. Collection method: clinical testing. Allele origin: germline. Affected: yes.

Breakthrough Genomics
Classification: Benign. Review status: criteria provided, single submitter. Criteria: ACMG Guidelines, 2015. Collection method: not provided. Allele origin: germline. Inheritance: Autosomal recessive inheritance. Affected: yes.